The following is an entry in ClinVar:

NM_032188.3(KAT8):c.1129C>T (p.Arg377Trp)

Gene: KAT8 (lysine acetyltransferase 8; plus strand). Cytogenetic location: 16p11.2.
Variant type: single nucleotide variant.
Coding change: c.1129C>T on transcript NM_032188.3 (MANE Select); coding-DNA position 1129, C replaced by T.
Protein change: p.Arg377Trp; replaces arginine 377 with tryptophan.
Molecular consequence: missense variant.
Genome position (GRCh38, 1-based): chr16:31,130,578, C>T. VCF-style: chr16-31130578-C-T. GRCh37 (hg19) VCF-style: chr16-31141899-C-T.
Other names: c.1129C>T, p.Arg377Trp (NM_182958.4); short protein forms R377W.
Identifiers: ClinVar variation 2605701 (VCV002605701.3), dbSNP rs2544178702, ClinGen allele CA395678551.

ClinVar aggregate classification (germline): Uncertain significance. Review status: criteria provided, single submitter (1 of 4 stars). 2 submissions from 2 submitters: Uncertain significance (1). 1 of the submissions does not count toward it. Last evaluated 2023-07-26.

Conditions:
Inborn genetic diseases. Identifiers: MedGen C0950123, MeSH D030342.
KAT8-related disorder. Also called: KAT8-related condition.

Allele frequency attached by ClinVar (database versions not stated): gnomAD exomes below 0.00001.
gnomAD v4.1: 1 of 1,614,190 alleles (0.000062%); highest among the groups gnomAD compares: Non-Finnish European, 0.000085%; no homozygotes.

Submissions (2):

Ambry Genetics
Classification: Uncertain significance for Inborn genetic diseases. Last evaluated: 2023-07-26. Review status: criteria provided, single submitter. Criteria: Ambry Variant Classification Scheme 2023. Collection method: clinical testing. Allele origin: germline.
Comment: The c.1129C>T (p.R377W) alteration is located in coding exon 9 of the KAT8 gene. This alteration results from a C to T substitution at nucleotide position 1129, causing the arginine (R) at amino acid position 377 to be replaced by a tryptophan (W). This variant was not reported in population-based cohorts in the Genome Aggregation Database (gnomAD). This amino acid position is well conserved in available vertebrate species. The in silico prediction for this alteration is inconclusive. Based on insufficient or conflicting evidence, the clinical significance of this alteration remains unclear.

PreventionGenetics, part of Exact Sciences
Classification: Uncertain significance for KAT8-related condition. Last evaluated: 2024-07-03. Review status: no assertion criteria provided. Collection method: clinical testing. Allele origin: germline. Not counted in ClinVar's aggregate classification.
Comment: The KAT8 c.1129C>T variant is predicted to result in the amino acid substitution p.Arg377Trp. To our knowledge, this variant has not been reported in the literature or in a large population database, indicating this variant is rare. At this time, the clinical significance of this variant is uncertain due to the absence of conclusive functional and genetic evidence.